The following is an entry in ClinVar:

NM_005045.4(RELN):c.3496C>T (p.His1166Tyr)

Gene: RELN (reelin; minus strand). Cytogenetic location: 7q22.1.
Variant type: single nucleotide variant.
Coding change: c.3496C>T on transcript NM_005045.4 (MANE Select); coding-DNA position 3496, C replaced by T.
Protein change: p.His1166Tyr; replaces histidine 1166 with tyrosine.
Molecular consequence: missense variant.
Genome position (GRCh38, 1-based): chr7:103,596,499, G>A on the plus strand (C>T on the coding strand, the complement: RELN is on the minus strand). VCF-style: chr7-103596499-G-A. GRCh37 (hg19) VCF-style: chr7-103236946-G-A.
Other names: c.3496C>T, p.His1166Tyr (NM_173054.3); c.3496C>T (NM_005045.3); short protein forms H1166Y.
Identifiers: ClinVar variation 1430330 (VCV001430330.9), dbSNP rs1166173010, ClinGen allele CA368760604.

ClinVar aggregate classification (germline): Uncertain significance. Review status: criteria provided, multiple submitters, no conflicts (2 of 4 stars). 2 submissions from 2 submitters: Uncertain significance (2). Last evaluated 2024-02-17.

Conditions:
Familial temporal lobe epilepsy 7. Identifiers: Orphanet 101046, MedGen C4225327, MONDO:0014639, OMIM 616436.
Norman-Roberts syndrome (LIS2). Also called: Lissencephaly 2 (Norman-Roberts type). Identifiers: Orphanet 89844, MedGen C0796089, MONDO:0009760, OMIM 257320.
Inborn genetic diseases. Identifiers: MedGen C0950123, MeSH D030342.

Allele frequency attached by ClinVar (database versions not stated): gnomAD exomes below 0.00001 and 0.00001; TOPMed below 0.00001; gnomAD 0.00001.
gnomAD v4.1: 10 of 1,613,870 alleles (0.00062%); highest among the groups gnomAD compares: Non-Finnish European, 0.00085%; no homozygotes.

Submissions (2):

Labcorp Genetics (formerly Invitae), Labcorp
Classification: Uncertain significance for Familial temporal lobe epilepsy 7; Norman-Roberts syndrome. Last evaluated: 2024-02-17. Review status: criteria provided, single submitter. Criteria: Invitae Variant Classification Sherloc (09022015). Collection method: clinical testing. Allele origin: germline.
Comment: This sequence change replaces histidine, which is basic and polar, with tyrosine, which is neutral and polar, at codon 1166 of the RELN protein (p.His1166Tyr). This variant is present in population databases (no rsID available, gnomAD 0.0009%). This variant has not been reported in the literature in individuals affected with RELN-related conditions. ClinVar contains an entry for this variant (Variation ID: 1430330). Advanced modeling of protein sequence and biophysical properties (such as structural, functional, and spatial information, amino acid conservation, physicochemical variation, residue mobility, and thermodynamic stability) performed at Invitae indicates that this missense variant is not expected to disrupt RELN protein function with a negative predictive value of 80%. In summary, the available evidence is currently insufficient to determine the role of this variant in disease. Therefore, it has been classified as a Variant of Uncertain Significance.

Ambry Genetics
Classification: Uncertain significance for Inborn genetic diseases. Last evaluated: 2023-10-17. Review status: criteria provided, single submitter. Criteria: Ambry Variant Classification Scheme 2023. Collection method: clinical testing. Allele origin: germline.